The following is an entry in ClinVar:

ClinVar aggregate classification (germline): Conflicting classifications of pathogenicity. Review status: criteria provided, conflicting classifications (1 of 4 stars). 4 submissions from 4 submitters: Likely pathogenic (3); Uncertain significance (1). Last evaluated 2025-08-08.

Conditions:
Cardiovascular phenotype. Identifiers: MedGen CN230736.
Arrhythmogenic right ventricular dysplasia 10. Also called: Arrhythmogenic Right Ventricular Dysplasia/Cardiomyopathy10; ARRHYTHMOGENIC RIGHT VENTRICULAR DYSPLASIA, FAMILIAL, 10; Arrhythmogenic right ventricular dysplasia/cardiomyopathy, type 10. Identifiers: MedGen C1857777, MONDO:0012434, OMIM 610193.

Allele frequency attached by ClinVar (database versions not stated): gnomAD exomes below 0.00001.
gnomAD v4.1: 1 of 1,264,172 alleles (0.000079%); highest among the groups gnomAD compares: Non-Finnish European, 0.0001%; no homozygotes.

Submissions (4):

Ambry Genetics
Classification: Uncertain significance for Cardiovascular phenotype. Last evaluated: 2025-08-08. Review status: criteria provided, single submitter. Criteria: Ambry Variant Classification Scheme 2023. Collection method: clinical testing. Allele origin: germline.
Comment: The c.45+1G>A intronic variant results from a G to A substitution one nucleotide after coding exon 1 of the DSG2 gene. Alterations that disrupt the canonical splice site are expected to result in aberrant splicing. In silico splice site analysis predicts that this alteration will weaken the native splice donor site and may result in the creation or strengthening of a novel splice donor site. A resulting transcript is predicted to be in-frame and is not expected to trigger nonsense-mediated mRNAdecay; although, direct evidence is unavailable. This nucleotide position is well conserved in available vertebrate species. Based on the available evidence, the clinical significance of this variant remains unclear.

Labcorp Genetics (formerly Invitae), Labcorp
Classification: Likely pathogenic for Arrhythmogenic right ventricular dysplasia 10. Last evaluated: 2024-11-04. Review status: criteria provided, single submitter. Criteria: Invitae Variant Classification Sherloc (09022015). Collection method: clinical testing. Allele origin: germline.
Comment: This sequence change affects a donor splice site in intron 1 of the DSG2 gene. It is expected to disrupt RNA splicing. Variants that disrupt the donor or acceptor splice site typically lead to a loss of protein function (PMID: 16199547), and loss-of-function variants in DSG2 are known to be pathogenic (PMID: 17105751, 31386562). This variant is not present in population databases (gnomAD no frequency). This variant has not been reported in the literature in individuals affected with DSG2-related conditions. ClinVar contains an entry for this variant (Variation ID: 567764). Algorithms developed to predict the effect of sequence changes on RNA splicing suggest that this variant may disrupt the consensus splice site. In summary, the currently available evidence indicates that the variant is pathogenic, but additional data are needed to prove that conclusively. Therefore, this variant has been classified as Likely Pathogenic.

CeGaT Center for Human Genetics Tuebingen
Classification: Likely pathogenic. Last evaluated: 2023-12-01. Review status: criteria provided, single submitter. Criteria: CeGaT Center For Human Genetics Tuebingen Variant Classification Criteria Version 2. Collection method: clinical testing. Allele origin: germline. Affected: yes. Observed: 1 variant allele.
Comment: DSG2: PVS1:Strong, PM2, PS4:Moderate

GeneDx
Classification: Likely pathogenic. Last evaluated: 2022-05-21. Review status: criteria provided, single submitter. Criteria: GeneDx Variant Classification Process June 2021. Collection method: clinical testing. Allele origin: germline. Affected: yes.
Comment: Canonical splice site variant predicted to result in a null allele in a gene for which loss of function is a known mechanism of disease; Not observed at significant frequency in large population cohorts (gnomAD); Observed in individuals undergoing genomic population genetic screening; however, no clinical history was provided (Carruth et al., 2019; Carruth et al., 2021); This variant is associated with the following publications: (PMID: 23911551, 23381804, 31638835, 33684294)

Literature cited by the submitters: PubMed 16199547 (cited by Labcorp Genetics (formerly Invitae), Labcorp); PubMed 17105751 (cited by Labcorp Genetics (formerly Invitae), Labcorp); PubMed 31386562 (cited by Labcorp Genetics (formerly Invitae), Labcorp).

NM_001943.5(DSG2):c.45+1G>A

Genes: DSG2 (desmoglein 2; plus strand), LOC130062340 (ATAC-STARR-seq lymphoblastoid silent region 9384; plus strand). Cytogenetic location: 18q12.1.
Variant type: single nucleotide variant.
Coding change: c.45+1G>A on transcript NM_001943.5 (MANE Select); the canonical splice donor site of the intron after coding-DNA position 45, G replaced by A.
Molecular consequence: splice donor variant.
Genome position (GRCh38, 1-based): chr18:31,498,297, G>A. VCF-style: chr18-31498297-G-A. GRCh37 (hg19) VCF-style: chr18-29078260-G-A.
Identifiers: ClinVar variation 567764 (VCV000567764.28), dbSNP rs1568098570, ClinGen allele CA402127665.
Genomic context (GRCh38, chr18:31,498,297, plus strand): 5'-GGAGGCGAGGGTGCGATGGCGCGGAGCCCGGGACGCGCGTACGCCCTGCTGCTTCTCCTG[G>A]TAAGTGCCGCAAGCGGGACAGGGGAGCCACCGCCGGGGAGGGCGTCGGTAGGCGAGGTCT-3'